The following is an entry in ClinVar:

NM_020207.7(ERCC6L2):c.1236A>G (p.Ile412Met)

Gene: ERCC6L2 (ERCC excision repair 6 like 2; plus strand). Cytogenetic location: 9q22.32.
Variant type: single nucleotide variant.
Coding change: c.1236A>G on transcript NM_020207.7 (MANE Select); coding-DNA position 1236, A replaced by G.
Protein change: p.Ile412Met; replaces isoleucine 412 with methionine.
Molecular consequence: missense variant. On other transcripts: non-coding transcript variant (1).
Genome position (GRCh38, 1-based): chr9:95,921,252, A>G. VCF-style: chr9-95921252-A-G. GRCh37 (hg19) VCF-style: chr9-98683534-A-G.
Other names: c.1236A>G, p.Ile412Met (NM_001010895.4, NM_001375291.1, NM_001375292.1 and 2 more transcripts); short protein forms I412M.
Identifiers: ClinVar variation 4618722 (VCV004618722.1).

ClinVar aggregate classification (germline): Uncertain significance (1 of 4 stars; one submission).

Conditions:
Inborn genetic diseases. Identifiers: MedGen C0950123, MeSH D030342.

Submission:

Ambry Genetics
Classification: Uncertain significance for Inborn genetic diseases. Last evaluated: 2025-10-10. Review status: criteria provided, single submitter. Criteria: Ambry Variant Classification Scheme 2023. Collection method: clinical testing. Allele origin: germline.
Comment: The p.I412M variant (also known as c.1236A>G), located in coding exon 7 of the ERCC6L2 gene, results from an A to G substitution at nucleotide position 1236. The isoleucine at codon 412 is replaced by methionine, an amino acid with highly similar properties. This amino acid position is conserved. In addition, this alteration is predicted to be tolerated by in silico analysis. Based on the available evidence, the clinical significance of this variant remains unclear.